The following is an entry in ClinVar:

NM_001354930.2(RIPK1):c.71A>C (p.Asp24Ala)

Gene: RIPK1 (receptor interacting serine/threonine kinase 1; plus strand). Cytogenetic location: 6p25.2.
Variant type: single nucleotide variant.
Coding change: c.71A>C on transcript NM_001354930.2 (MANE Select); coding-DNA position 71, A replaced by C.
Protein change: p.Asp24Ala; replaces aspartic acid 24 with alanine.
Molecular consequence: missense variant. On other transcripts: 5 prime UTR variant (4).
Genome position (GRCh38, 1-based): chr6:3,076,894, A>C. VCF-style: chr6-3076894-A-C. GRCh37 (hg19) VCF-style: chr6-3077128-A-C.
Other names: c.-533A>C (NM_001317061.3, NM_001354932.2, NM_001354933.2 and 1 more transcripts); c.71A>C, p.Asp24Ala (NM_001354931.2, NM_003804.6); short protein forms D24A.
Identifiers: ClinVar variation 1999073 (VCV001999073.4), dbSNP rs375750553, ClinGen allele CA362572449.

ClinVar aggregate classification (germline): Uncertain significance (1 of 4 stars; one submission).

gnomAD v4.1: 8 of 1,611,460 alleles (0.0005%); highest among the groups gnomAD compares: Non-Finnish European, 0.00068%; no homozygotes.

Submission:

Labcorp Genetics (formerly Invitae), Labcorp
Classification: Uncertain significance. Last evaluated: 2022-05-25. Review status: criteria provided, single submitter. Criteria: Invitae Variant Classification Sherloc (09022015). Collection method: clinical testing. Allele origin: germline.
Comment: In summary, the available evidence is currently insufficient to determine the role of this variant in disease. Therefore, it has been classified as a Variant of Uncertain Significance. Algorithms developed to predict the effect of missense changes on protein structure and function are either unavailable or do not agree on the potential impact of this missense change (SIFT: "Not Available"; PolyPhen-2: "Possibly Damaging"; Align-GVGD: "Not Available"). This variant has not been reported in the literature in individuals affected with RIPK1-related conditions. This variant is not present in population databases (gnomAD no frequency). This sequence change replaces aspartic acid, which is acidic and polar, with alanine, which is neutral and non-polar, at codon 24 of the RIPK1 protein (p.Asp24Ala).